The following is an entry in ClinVar:

NM_022168.4(IFIH1):c.1357G>A (p.Val453Met)

Gene: IFIH1 (interferon induced with helicase C domain 1; minus strand). Cytogenetic location: 2q24.2.
Variant type: single nucleotide variant.
Coding change: c.1357G>A on transcript NM_022168.4 (MANE Select); coding-DNA position 1357, G replaced by A.
Protein change: p.Val453Met; replaces valine 453 with methionine.
Molecular consequence: missense variant.
Genome position (GRCh38, 1-based): chr2:162,281,495, C>T on the plus strand (G>A on the coding strand, the complement: IFIH1 is on the minus strand). VCF-style: chr2-162281495-C-T. GRCh37 (hg19) VCF-style: chr2-163138005-C-T.
Other names: short protein forms V453M.
Identifiers: ClinVar variation 931393 (VCV000931393.3), dbSNP rs367921237, ClinGen allele CA349002511.
Genomic context (GRCh38, chr2:162,281,495, plus strand): 5'-TCTTGAGTCTATTGTTTTTCAACTTCTGCATCAAATAATGCCTCATGATGTTATTATACA[C>T]TGCTTCTTTGTTGGTGTGATGACATTCATCAATGATAATGAGGGAAAAGTCTTAAAAGAA-3'
Protein context (NP_071451.2, residues 443-463): DECHHTNKEA[Val453Met]YNNIMRHYLM

ClinVar aggregate classification (germline): Uncertain significance (1 of 4 stars; one submission).

Conditions:
Singleton-Merten syndrome 1 (SGMRT1). Also called: Widened medullary cavities of bone, aortic calcification, abnormal dentition, and muscular weakness; Syndrome of widened medullary cavities of the metacarpals and phalanges, aortic calcification and abnormal dentition. Identifiers: Orphanet 85191, MedGen C4225427, MONDO:0024535, OMIM 182250.

gnomAD v4.1: 1 of 1,611,906 alleles (0.000062%); highest among the groups gnomAD compares: Admixed American, 0.0017%; no homozygotes.

Submission:

Centre for Mendelian Genomics, University Medical Centre Ljubljana
Classification: Uncertain significance for Singleton-Merten syndrome 1. Last evaluated: 2016-01-01. Review status: criteria provided, single submitter. Criteria: ACMG Guidelines, 2015. Collection method: clinical testing. Allele origin: unknown. Affected: yes.
Comment: This variant was classified as: Uncertain significance. The following ACMG criteria were applied in classifying this variant: PM2,PP3.